The following is an entry in ClinVar:

ClinVar aggregate classification (germline): Conflicting classifications of pathogenicity. Review status: criteria provided, conflicting classifications (1 of 4 stars). 3 submissions from 3 submitters: Likely pathogenic (1); Uncertain significance (2). Last evaluated 2026-08-26.

Conditions:
Nephrolithiasis/nephrocalcinosis. Identifiers: MedGen CN580796.

Submissions (3):

Ambry Genetics
Classification: Likely pathogenic for Nephrolithiasis/nephrocalcinosis. Last evaluated: 2026-08-26. Review status: criteria provided, single submitter. Criteria: Ambry Variant Classification Scheme 2023. Collection method: clinical testing. Allele origin: germline.
Comment: The c.292G>A (p.D98N) alteration is located in exon 2 (coding exon 2) of the PRPS1 gene. This alteration results from a G to A substitution at nucleotide position 292, causing the aspartic acid (D) at amino acid position 98 to be replaced by an asparagine (N). This variant was not reported in population-based cohorts in the Genome Aggregation Database (gnomAD). This variant was reported in individual(s) with features consistent with PRPS1-related phosphoribosylpyrophosphate synthetase (PRPS) deficiency; in at least one individual, it was determined to be de novo (Di&ntilde;eiro, 2020). This amino acid position is highly conserved in available vertebrate species. This missense variant is located in a region that has a low rate of benign missense variation (Lek, 2016; Firth, 2009). The in silico prediction for this alteration is inconclusive. Based on the available evidence, this alteration is classified as likely pathogenic.

Revvity Omics, Revvity
Classification: Uncertain significance. Last evaluated: 2022-07-01. Review status: criteria provided, single submitter. Criteria: ACMG Guidelines, 2015. Collection method: clinical testing. Allele origin: germline.

Blueprint Genetics
Classification: Uncertain significance. Last evaluated: 2021-03-15. Review status: criteria provided, single submitter. Criteria: ACMG Guidelines, 2015. Collection method: clinical testing. Allele origin: germline.

Literature cited by the submitters: PubMed 32483926 (cited by Ambry Genetics).

NM_002764.4(PRPS1):c.292G>A (p.Asp98Asn)

Gene: PRPS1 (phosphoribosyl pyrophosphate synthetase 1; plus strand). Cytogenetic location: Xq22.3.
Variant type: single nucleotide variant.
Coding change: c.292G>A on transcript NM_002764.4 (MANE Select); coding-DNA position 292, G replaced by A.
Protein change: p.Asp98Asn; replaces aspartic acid 98 with asparagine.
Molecular consequence: missense variant. On other transcripts: intron variant (1).
Genome position (GRCh38, 1-based): chrX:107,639,464, G>A. VCF-style: chrX-107639464-G-A. GRCh37 (hg19) VCF-style: chrX-106882694-G-A.
Other names: c.-82-5713G>A (NM_001204402.2); short protein forms D98N.
Identifiers: ClinVar variation 2435262 (VCV002435262.5), dbSNP rs2521336818, ClinGen allele CA413805704.